The following is an entry in ClinVar:

ClinVar aggregate classification (germline): Conflicting classifications of pathogenicity. Review status: criteria provided, conflicting classifications (1 of 4 stars). 7 submissions from 7 submitters: Pathogenic (3); Likely pathogenic (2); Uncertain significance (1). 1 of the submissions does not count toward it. Last evaluated 2026-03-27.

Conditions:
Epidermolysis bullosa dystrophica. Also called: Dystrophic epidermolysis bullosa, Hallopeau-Siemens type (formerly); Dystrophic epidermolysis bullosa. Identifiers: Orphanet 303, MedGen C0079294, MONDO:0006543.
Recessive dystrophic epidermolysis bullosa (RDEB). Also called: Hallopeau-Siemens Disease; EPIDERMOLYSIS BULLOSA DYSTROPHICA, GENERALIZED SEVERE, AUTOSOMAL RECESSIVE; severe generalized recessive dystrophic epidermolysis bullosa; Epidermolysis Bullosa Distrophica Autosomal Recessive (RDEB); epidermolysis bullosa dystrophica, autosomal recessive; Recessive DEB (RDEB). Identifiers: Orphanet 79408, Orphanet 79409, MedGen C0079474, MONDO:0009179, OMIM 226600.
Generalized dominant dystrophic epidermolysis bullosa (DDEB). Also called: DDEB, generalized; DDEB-gen; DYSTROPHIC EPIDERMOLYSIS BULLOSA, AUTOSOMAL DOMINANT; Epidermolysis bullosa dystrophica, autosomal dominant; Dominant DEB (DDEB). Identifiers: Orphanet 231568, MedGen C0432322, MONDO:0007549, OMIM 131750.

Allele frequency attached by ClinVar (database versions not stated): gnomAD 0.00001; TOPMed 0.00001.
gnomAD v4.1: 11 of 1,613,926 alleles (0.00068%); highest among the groups gnomAD compares: South Asian, 0.0033%; no homozygotes.

Submissions (7):

Myriad Genetics, Inc.
Classification: Uncertain significance for Recessive dystrophic epidermolysis bullosa. Last evaluated: 2026-03-27. Review status: criteria provided, single submitter. Criteria: Myriad Autosomal Dominant, Autosomal Recessive and X-Linked Classification Criteria (2023). Collection method: clinical testing. Allele origin: unknown.
Comment: NM_000094.3(COL7A1):c.3831+1G>T is a variant in a canonical splice site classified as a variant of uncertain significance in the context of dystrophic epidermolysis bullosa. c.3831+1G>T has not been observed in cases with relevant disease. Relevant functional assessments of this variant are not available in the literature. c.3831+1G>T has been observed in referenced population frequency databases. In summary, there is insufficient evidence to classify NM_000094.3(COL7A1):c.3831+1G>T as pathogenic or benign. Please note: this variant was assessed in the context of healthy population screening.

Victorian Clinical Genetics Services, Murdoch Childrens Research Institute
Classification: Pathogenic for Recessive dystrophic epidermolysis bullosa. Last evaluated: 2025-09-03. Review status: criteria provided, single submitter. Criteria: ACMG Guidelines, 2015. Collection method: clinical testing. Allele origin: germline. Affected: no.
Comment: This variant is classified as Pathogenic. Evidence in support of pathogenic classification: Canonical splice site variant without proven consequence on splicing (no functional evidence available); Variant is present in gnomAD <0.01 (v4: 11 heterozygote(s), 0 homozygote(s)); This variant has moderate previous evidence of pathogenicity in unrelated individuals. It has been classified as pathogenic and likely pathogenic by clinical laboratories (ClinVar); Other splice site variants comparable to the one identified in this case has/have moderate previous evidence for pathogenicity. c.3821+1G>A and c.3831+2T>C have each been classified as likely pathogenic by a clinical laboratory (ClinVar); Abnormal splicing is predicted by in silico tool and affected nucleotide is highly conserved. Additional information: This variant is heterozygous; This gene is associated with both recessive and dominant disease. The spectrum of dystrophic epidermolysis bullosa associated with this gene can be either autosomal dominant or recessive inheritance. Autosomal dominant epidermolysis bullosa dystrophica (MIM#131750) is typically associated with milder phenotypes, whereas autosomal recessive epidermolysis bullosa dystrophica (MIM#226600) is usually observed in more severe cases (OMIM). Premature termination variants resulting in complete absence of protein are usually associated with the most severe recessive dystrophic epidermolysis bullosa (PMID: 32506467); Alternative nucleotide change(s) at the same canonical splice site are present in gnomAD (highest allele count: v4: 3 heterozygote(s), 0 homozygote(s)); No published evidence of segregation with disease has been identified for this variant; No published functional evidence has been identified for this variant; Dominant negative and loss of function are known mechanisms of disease in this gene and are associated with dystrophic epidermolysis bullosa (DEB) (OMIM, PMID: 31670143); Variants in this gene are known to have variable expressivity. Severity ranges from involving only nails to generalized and severe blistering and scarring (PMID: 31670143).

Labcorp Genetics (formerly Invitae), Labcorp
Classification: Likely pathogenic. Last evaluated: 2025-07-23. Review status: criteria provided, single submitter. Criteria: Invitae Variant Classification Sherloc (09022015). Collection method: clinical testing. Allele origin: germline.
Comment: This sequence change affects a donor splice site in intron 30 of the COL7A1 gene. It is expected to disrupt RNA splicing. Variants that disrupt the donor or acceptor splice site typically lead to a loss of protein function (PMID: 16199547), and loss-of-function variants in COL7A1 are known to be pathogenic (PMID: 16971478). This variant is present in population databases (rs776841521, gnomAD 0.003%). This variant has not been reported in the literature in individuals affected with COL7A1-related conditions. ClinVar contains an entry for this variant (Variation ID: 650101). Algorithms developed to predict the effect of sequence changes on RNA splicing suggest that this variant may disrupt the consensus splice site. In summary, the currently available evidence indicates that the variant is pathogenic, but additional data are needed to prove that conclusively. Therefore, this variant has been classified as Likely Pathogenic.

CeGaT Center for Human Genetics Tuebingen
Classification: Likely pathogenic. Last evaluated: 2025-04-01. Review status: criteria provided, single submitter. Criteria: CeGaT Center For Human Genetics Tuebingen Variant Classification Criteria Version 2. Collection method: clinical testing. Allele origin: germline. Affected: yes. Observed: 1 variant allele.
Comment: COL7A1: PVS1:Strong, PM2:Supporting, PS1:Supporting

3billion
Classification: Pathogenic for Generalized dominant dystrophic epidermolysis bullosa. Last evaluated: 2023-07-31. Review status: criteria provided, single submitter. Criteria: ACMG Guidelines, 2015. Collection method: clinical testing. Allele origin: germline. Affected: yes.
Comment: The variant is observed at an extremely low frequency in the gnomAD v2.1.1 dataset (total allele frequency: 0.002%). Predicted Consequence/Location: Canonical splice site: predicted to alter splicing and result in a loss or disruption of normal protein function. Multiple pathogenic loss-of-function variants are reported downstream of the variant. The variant has been reported to be associated with COL7A1-related disorder (ClinVar ID: VCV000650101). Therefore, this variant is classified as Likely pathogenic according to the recommendation of ACMG/AMP guideline.

Kariminejad - Najmabadi Pathology & Genetics Center
Classification: Pathogenic for Recessive dystrophic epidermolysis bullosa. Review status: criteria provided, single submitter. Criteria: ACMG Guidelines, 2015. Collection method: clinical testing. Allele origin: germline. Affected: no.

Natera, Inc.
Classification: Likely pathogenic for Dystrophic epidermolysis bullosa. Last evaluated: 2020-09-10. Review status: no assertion criteria provided. Collection method: clinical testing. Allele origin: germline. Not counted in ClinVar's aggregate classification.

Literature cited by the submitters: PubMed 31670143 (cited by Victorian Clinical Genetics Services, Murdoch Childrens Research Institute); PubMed 32506467 (cited by Victorian Clinical Genetics Services, Murdoch Childrens Research Institute); PubMed 16199547 (cited by Labcorp Genetics (formerly Invitae), Labcorp); PubMed 16971478 (cited by Labcorp Genetics (formerly Invitae), Labcorp).

NM_000094.4(COL7A1):c.3831+1G>T

Gene: COL7A1 (collagen type VII alpha 1 chain; minus strand). Cytogenetic location: 3p21.31.
Variant type: single nucleotide variant.
Coding change: c.3831+1G>T on transcript NM_000094.4 (MANE Select); the canonical splice donor site of the intron after coding-DNA position 3831, G replaced by T.
Molecular consequence: splice donor variant.
Genome position (GRCh38, 1-based): chr3:48,585,689, C>A on the plus strand (G>T on the coding strand, the complement: COL7A1 is on the minus strand). VCF-style: chr3-48585689-C-A. GRCh37 (hg19) VCF-style: chr3-48623122-C-A.
Identifiers: ClinVar variation 650101 (VCV000650101.18), dbSNP rs776841521, ClinGen allele CA2380376.